The following is an entry in ClinVar:

NM_001363711.2(DUOX2):c.1441C>T (p.Gln481Ter)

Gene: DUOX2 (dual oxidase 2; minus strand). Cytogenetic location: 15q21.1.
Variant type: single nucleotide variant.
Coding change: c.1441C>T on transcript NM_001363711.2 (MANE Select); coding-DNA position 1441, C replaced by T.
Protein change: p.Gln481Ter; replaces glutamine 481 with a stop codon.
Molecular consequence: nonsense.
Genome position (GRCh38, 1-based): chr15:45,108,180, G>A on the plus strand (C>T on the coding strand, the complement: DUOX2 is on the minus strand). VCF-style: chr15-45108180-G-A. GRCh37 (hg19) VCF-style: chr15-45400378-G-A.
Other names: c.1441C>T, p.Gln481Ter (NM_014080.5); short protein forms Q481*.
Identifiers: ClinVar variation 5007640 (VCV005007640.2).
Genomic context (GRCh38, chr15:45,108,180, plus strand): 5'-TGAACAGGGGTCCAGGGTCCCCATGGCTCTCCAGGAGCCCCCCAAGGAGCAGCTCTAGCT[G>A]GGATAGGTCCTGGTTGTACAGGGCAGCTGTGGCCTCCAGCACCTGGGGCACCACAGGAGA-3'

ClinVar aggregate classification (germline): Likely pathogenic (1 of 4 stars; one submission).

Conditions:
Thyroid dyshormonogenesis 6 (TDH6). Also called: HYPOTHYROIDISM, CONGENITAL, DUE TO DYSHORMONOGENESIS, 6; THYROID HORMONOGENESIS, GENETIC DEFECT IN, 6; Genetic transient congenital hypothyroidism. Identifiers: Orphanet 226316, Orphanet 95716, MedGen C1846632, MONDO:0011792, OMIM 607200.

Submission:

Juno Genomics, Hangzhou Juno Genomics, Inc
Classification: Likely pathogenic for Thyroid dyshormonogenesis 6. Review status: criteria provided, single submitter. Criteria: ACMG Guidelines, 2015. Collection method: clinical testing. Allele origin: germline.
Comment: Absent from controls (or at extremely low frequency if recessive) in Genome Aggregation Database.;Null variant in a gene where loss of function (LOF) is a known mechanism of disease.